The following is an entry in ClinVar:

NM_001129820.2(SLFN14):c.485C>A (p.Pro162Gln)

Gene: SLFN14 (schlafen family member 14; minus strand). Cytogenetic location: 17q12.
Variant type: single nucleotide variant.
Coding change: c.485C>A on transcript NM_001129820.2 (MANE Select); coding-DNA position 485, C replaced by A.
Protein change: p.Pro162Gln; replaces proline 162 with glutamine.
Molecular consequence: missense variant.
Genome position (GRCh38, 1-based): chr17:35,557,578, G>T on the plus strand (C>A on the coding strand, the complement: SLFN14 is on the minus strand). VCF-style: chr17-35557578-G-T. GRCh37 (hg19) VCF-style: chr17-33884597-G-T.
Other names: short protein forms P162Q.
Identifiers: ClinVar variation 2591499 (VCV002591499.4), dbSNP rs201410402, ClinGen allele CA8504696.
Genomic context (GRCh38, chr17:35,557,578, plus strand): 5'-TCTTCCTCTTCCTGAATGCATCTATTGAGAACCTGCTGAGGATGCAACTTCTTCACCCTT[G>T]GTCTTCCTCTTTGGGCTCTAAACCCCTTCTCTCTGAGAAGCTCCAGGGCACTGCTAGCAC-3'
Protein context (NP_001123292.1, residues 152-172): EKGFRAQRGR[Pro162Gln]RVKKLHPQQV

ClinVar aggregate classification (germline): Uncertain significance. Review status: criteria provided, multiple submitters, no conflicts (2 of 4 stars). 2 submissions from 2 submitters: Uncertain significance (2). Last evaluated 2026-03-24.

Conditions:
SLFN14-related disorder. Also called: SLFN14-related condition.
Inborn genetic diseases. Identifiers: MedGen C0950123, MeSH D030342.

Allele frequency attached by ClinVar (database versions not stated): TOPMed 0.00017; gnomAD 0.00018; ExAC 0.00020; gnomAD exomes 0.00040.

Submissions (2):

PreventionGenetics, part of Exact Sciences
Classification: Uncertain significance for SLFN14-related condition. Last evaluated: 2026-03-24. Review status: criteria provided, single submitter. Criteria: ACMG Guidelines, 2015. Collection method: clinical testing. Allele origin: germline.
Comment: The SLFN14 c.485C>A variant is predicted to result in the amino acid substitution p.Pro162Gln. To our knowledge, this variant has not been reported in the literature. This variant is reported in 0.039% of alleles in individuals of European (Non-Finnish) descent in gnomAD. Although we suspect that this variant may be benign, at this time, the clinical significance of this variant is uncertain due to the absence of conclusive functional and genetic evidence.

Ambry Genetics
Classification: Uncertain significance for Inborn genetic diseases. Last evaluated: 2025-09-26. Review status: criteria provided, single submitter. Criteria: Ambry Variant Classification Scheme 2023. Collection method: clinical testing. Allele origin: germline.